The following is an entry in ClinVar:

NM_006767.4(LZTR1):c.2354C>T (p.Ala785Val)

Gene: LZTR1 (leucine zipper like post translational regulator 1; plus strand). Cytogenetic location: 22q11.21.
Variant type: single nucleotide variant.
Coding change: c.2354C>T on transcript NM_006767.4 (MANE Select); coding-DNA position 2354, C replaced by T.
Protein change: p.Ala785Val; replaces alanine 785 with valine.
Molecular consequence: missense variant.
Genome position (GRCh38, 1-based): chr22:20,996,914, C>T. VCF-style: chr22-20996914-C-T. GRCh37 (hg19) VCF-style: chr22-21351203-C-T.
Other names: short protein forms A785V.
Identifiers: ClinVar variation 3238234 (VCV003238234.3), dbSNP rs2518626036.

ClinVar aggregate classification (germline): Uncertain significance. Review status: criteria provided, multiple submitters, no conflicts (2 of 4 stars). 2 submissions from 2 submitters: Uncertain significance (2). Last evaluated 2025-12-09.

Conditions:
Hereditary cancer-predisposing syndrome. Also called: Neoplastic Syndromes, Hereditary; Tumor predisposition; Hereditary neoplastic syndrome; Hereditary Cancer Syndrome. Identifiers: Orphanet 140162, MedGen C0027672, MeSH D009386, MONDO:0015356.
Cardiovascular phenotype. Identifiers: MedGen CN230736.

Submissions (2):

Labcorp Genetics (formerly Invitae), Labcorp
Classification: Uncertain significance. Last evaluated: 2025-12-09. Review status: criteria provided, single submitter. Criteria: Invitae Variant Classification Sherloc (09022015). Collection method: clinical testing. Allele origin: germline.
Comment: This sequence change replaces alanine, which is neutral and non-polar, with valine, which is neutral and non-polar, at codon 785 of the LZTR1 protein (p.Ala785Val). This variant is not present in population databases (gnomAD no frequency). This variant has not been reported in the literature in individuals affected with LZTR1-related conditions. ClinVar contains an entry for this variant (Variation ID: 3238234). Invitae Evidence Modeling of protein sequence and biophysical properties (such as structural, functional, and spatial information, amino acid conservation, physicochemical variation, residue mobility, and thermodynamic stability) indicates that this missense variant is not expected to disrupt LZTR1 protein function with a negative predictive value of 80%. In summary, the available evidence is currently insufficient to determine the role of this variant in disease. Therefore, it has been classified as a Variant of Uncertain Significance.

Ambry Genetics
Classification: Uncertain significance for Cardiovascular phenotype; Hereditary cancer-predisposing syndrome. Last evaluated: 2023-11-14. Review status: criteria provided, single submitter. Criteria: Ambry Variant Classification Scheme 2023. Collection method: clinical testing. Allele origin: germline.
Comment: The p.A785V variant (also known as c.2354C>T), located in coding exon 20 of the LZTR1 gene, results from a C to T substitution at nucleotide position 2354. The alanine at codon 785 is replaced by valine, an amino acid with similar properties. This amino acid position is highly conserved in available vertebrate species. In addition, the in silico prediction for this alteration is inconclusive. Since supporting evidence is limited at this time, the clinical significance of this alteration remains unclear.